The following is an entry in ClinVar:

ClinVar aggregate classification (germline): Benign. Review status: criteria provided, multiple submitters, no conflicts (2 of 4 stars). 5 submissions from 5 submitters: Benign (3). 2 of the submissions do not count toward it. Last evaluated 2018-08-16.

Conditions:
Occult macular dystrophy (OCMD). Also called: OMD; OCCULT MACULAR DYSTROPHY, SUSCEPTIBILITY TO. Identifiers: Orphanet 247834, MedGen C3150833, MONDO:0013316, OMIM 613587, HP:0030636.

gnomAD v4.1: 51,867 of 1,001,610 alleles (5.2%); highest among the groups gnomAD compares: South Asian, 6.7%; 3,123 homozygotes.

Submissions (5):

GeneDx
Classification: Benign. Last evaluated: 2018-08-16. Review status: criteria provided, single submitter. Criteria: GeneDx Variant Classification Process June 2021. Collection method: clinical testing. Allele origin: germline. Affected: yes.

Illumina Laboratory Services, Illumina
Classification: Benign for Occult macular dystrophy. Last evaluated: 2018-01-13. Review status: criteria provided, single submitter. Criteria: ICSL Variant Classification Criteria 13 December 2019. Collection method: clinical testing. Allele origin: germline.
Comment: This variant was observed in the ICSL laboratory as part of a predisposition screen in an ostensibly healthy population. It had not been previously curated by ICSL or reported in the Human Gene Mutation Database (HGMD: prior to June 1st, 2018), and was therefore a candidate for classification through an automated scoring system. Utilizing variant allele frequency, disease prevalence and penetrance estimates, and inheritance mode, an automated score was calculated to assess if this variant is too frequent to cause the disease. Based on the score and internal cut-off values, a variant classified as benign is not then subjected to further curation. The score for this variant resulted in a classification of benign for this disease.

Breakthrough Genomics
Classification: Benign. Review status: criteria provided, single submitter. Criteria: ACMG Guidelines, 2015. Collection method: not provided. Allele origin: germline. Inheritance: Autosomal recessive inheritance. Affected: yes.

Clinical Genetics DNA and cytogenetics Diagnostics Lab, Erasmus MC, Erasmus Medical Center
Classification: Likely benign. Review status: no assertion criteria provided. Collection method: clinical testing. Allele origin: germline. Affected: yes. Study: VKGL Data-share Consensus. Not counted in ClinVar's aggregate classification.

Clinical Genetics, Academic Medical Center
Classification: Benign. Review status: no assertion criteria provided. Collection method: clinical testing. Allele origin: germline. Affected: yes. Study: VKGL Data-share Consensus. Not counted in ClinVar's aggregate classification.

NM_178857.6(RP1L1):c.3983A>T (p.Glu1328Val)

Gene: RP1L1 (RP1 like 1). Cytogenetic location: 8p23.1.
Variant type: single nucleotide variant.
Coding change: c.3983A>T on transcript NM_178857.6 (MANE Select); coding-DNA position 3983, A replaced by T.
Protein change: p.Glu1328Val; replaces glutamic acid 1328 with valine.
Molecular consequence: missense variant.
Genome position (GRCh38, 1-based): chr8:10,610,115, T>A on the plus strand (A>T on the coding strand, the complement: RP1L1 is on the minus strand). VCF-style: chr8-10610115-T-A. GRCh37 (hg19) VCF-style: chr8-10467625-T-A.
Other names: short protein forms E1328V.
Identifiers: ClinVar variation 911393 (VCV000911393.10), dbSNP rs141205444, ClinGen allele CA4624249.